The following is an entry in ClinVar:

NM_005263.5(GFI1):c.746T>A (p.Leu249Gln)

Gene: GFI1 (growth factor independent 1 transcriptional repressor; minus strand). Cytogenetic location: 1p22.1.
Variant type: single nucleotide variant.
Coding change: c.746T>A on transcript NM_005263.5 (MANE Select); coding-DNA position 746, T replaced by A.
Protein change: p.Leu249Gln; replaces leucine 249 with glutamine.
Molecular consequence: missense variant.
Genome position (GRCh38, 1-based): chr1:92,480,641, A>T on the plus strand (T>A on the coding strand, the complement: GFI1 is on the minus strand). VCF-style: chr1-92480641-A-T. GRCh37 (hg19) VCF-style: chr1-92946198-A-T.
Other names: c.746T>A, p.Leu249Gln (NM_001127215.3, NM_001127216.3); short protein forms L249Q.
Identifiers: ClinVar variation 3853684 (VCV003853684.1).

ClinVar aggregate classification (germline): Uncertain significance (1 of 4 stars; one submission).

Submission:

Ambry Genetics
Classification: Uncertain significance. Last evaluated: 2025-01-13. Review status: criteria provided, single submitter. Criteria: Ambry Variant Classification Scheme 2023. Collection method: clinical testing. Allele origin: germline.
Comment: The p.L249Q variant (also known as c.746T>A), located in coding exon 3 of the GFI1 gene, results from a T to A substitution at nucleotide position 746. The leucine at codon 249 is replaced by glutamine, an amino acid with dissimilar properties. This amino acid position is conserved. In addition, this alteration is predicted to be tolerated by in silico analysis. Based on the available evidence, the clinical significance of this variant remains unclear.